The following is an entry in ClinVar:

NM_144997.7(FLCN):c.1361G>T (p.Cys454Phe)

Gene: FLCN (folliculin; minus strand). Cytogenetic location: 17p11.2.
Variant type: single nucleotide variant.
Coding change: c.1361G>T on transcript NM_144997.7 (MANE Select); coding-DNA position 1361, G replaced by T.
Protein change: p.Cys454Phe; replaces cysteine 454 with phenylalanine.
Molecular consequence: missense variant.
Genome position (GRCh38, 1-based): chr17:17,215,256, C>A on the plus strand (G>T on the coding strand, the complement: FLCN is on the minus strand). VCF-style: chr17-17215256-C-A. GRCh37 (hg19) VCF-style: chr17-17118570-C-A.
Other names: c.1415G>T, p.Cys472Phe (NM_001353229.2); c.1361G>T, p.Cys454Phe (NM_001353230.2, NM_001353231.2); short protein forms C454F, C472F.
Identifiers: ClinVar variation 3343161 (VCV003343161.1).
Genomic context (GRCh38, chr17:17,215,256, plus strand): 5'-GCTACAGGGCTCCCACTGGTCACCACAAACTCGTACTTGCTGAGAGACTGGTCATCCTCA[C>A]ACCCCACAGGGTGGAGGGTGGAACGTGCGGCTGCGTGGACCTCCACGATGACAGCAAACT-3'
Protein context (NP_659434.2, residues 444-464): AARSTLHPVG[Cys454Phe]EDDQSLSKYE

ClinVar aggregate classification (germline): Uncertain significance (1 of 4 stars; one submission).

Submission:

GeneDx
Classification: Uncertain significance. Last evaluated: 2023-04-24. Review status: criteria provided, single submitter. Criteria: GeneDx Variant Classification Process June 2021. Collection method: clinical testing. Allele origin: germline. Affected: yes.
Comment: Not observed at significant frequency in large population cohorts (gnomAD); In silico analysis supports that this missense variant does not alter protein structure/function; Has not been previously published as pathogenic or benign to our knowledge; This variant is associated with the following publications: (PMID: 17028174)